The following is an entry in ClinVar:

ClinVar aggregate classification (germline): Pathogenic (1 of 4 stars; one submission).

Conditions:
Microcephaly, normal intelligence and immunodeficiency (NBS). Also called: IMMUNODEFICIENCY, MICROCEPHALY, AND CHROMOSOMAL INSTABILITY; SEEMANOVA SYNDROME II; Nijmegen breakage syndrome; Microcephaly with normal intelligence immunodeficiency and lymphoreticular malignancies; Nonsyndromal microcephaly autosomal recessive with normal intelligence; Seemanova syndrome 2. Identifiers: Orphanet 647, MedGen C0398791, MONDO:0009623, OMIM 251260.

Submission:

Myriad Genetics, Inc.
Classification: Pathogenic for Microcephaly, normal intelligence and immunodeficiency. Last evaluated: 2025-06-09. Review status: criteria provided, single submitter. Criteria: Myriad Autosomal Dominant, Autosomal Recessive and X-Linked Classification Criteria (2023). Collection method: clinical testing. Allele origin: unknown.
Comment: NM_002485.4(NBN):c.1168delG(E390Nfs*14) is expected to be pathogenic in the context of Nijmegen breakage syndrome. This variant is predicted to lead to an abnormal or absent protein product due to the creation of a premature termination codon in NBN, a gene where loss-of-function variants are known to be pathogenic. Please note: this variant was assessed in the context of healthy population screening.

NM_002485.5(NBN):c.1168del (p.Glu390fs)

Gene: NBN (nibrin; minus strand). Cytogenetic location: 8q21.3.
Variant type: Deletion.
Coding change: c.1168del on transcript NM_002485.5 (MANE Select); coding-DNA position 1168, one base deleted (G; older notation c.1168delG).
Protein change: p.Glu390fs; shifts the reading frame from glutamic acid 390.
Molecular consequence: frameshift variant.
Genome position (GRCh38, 1-based): chr8:89,955,512, C deleted on the plus strand (G on the coding strand, the reverse complement: NBN is on the minus strand); the first of 2 consecutive C bases (chr8:89,955,512-89,955,513); deleting either gives the same sequence. VCF-style (leftmost placement, unchanged base first): chr8-89955511-TC-T. GRCh37 (hg19) VCF-style: chr8-90967739-TC-T.
Other names: c.922del, p.Glu308fs (NM_001024688.3, NM_001440379.1, NM_001440380.1); short protein forms E308fs, E390fs.
Identifiers: ClinVar variation 5014569 (VCV005014569.1).